The following is an entry in ClinVar:

ClinVar aggregate classification (germline): Uncertain significance (1 of 4 stars; one submission).

Allele frequency attached by ClinVar (database versions not stated): TOPMed 0.00001.
gnomAD v4.1: 3 of 1,588,270 alleles (0.00019%); highest among the groups gnomAD compares: Non-Finnish European, 0.000085%; no homozygotes.

Submission:

GeneDx
Classification: Uncertain significance. Last evaluated: 2022-12-01. Review status: criteria provided, single submitter. Criteria: GeneDx Variant Classification Process June 2021. Collection method: clinical testing. Allele origin: germline. Affected: yes.
Comment: In silico analysis supports that this missense variant has a deleterious effect on protein structure/function; Has not been previously published as pathogenic or benign to our knowledge

NM_015100.4(POGZ):c.319C>T (p.Leu107Phe)

Gene: POGZ (pogo transposable element derived with ZNF domain; minus strand). Cytogenetic location: 1q21.3.
Variant type: single nucleotide variant.
Coding change: c.319C>T on transcript NM_015100.4 (MANE Select); coding-DNA position 319, C replaced by T.
Protein change: p.Leu107Phe; replaces leucine 107 with phenylalanine.
Molecular consequence: missense variant. On other transcripts: intron variant (1).
Genome position (GRCh38, 1-based): chr1:151,430,806, G>A on the plus strand (C>T on the coding strand, the complement: POGZ is on the minus strand). VCF-style: chr1-151430806-G-A. GRCh37 (hg19) VCF-style: chr1-151403282-G-A.
Other names: c.319C>T, p.Leu107Phe (NM_001194937.2); c.160C>T, p.Leu54Phe (NM_001194938.2, NM_207171.2); c.340C>T, p.Leu114Phe (NM_001410860.1); c.284-2393C>T (NM_145796.4); short protein forms L107F, L114F, L54F.
Identifiers: ClinVar variation 2504429 (VCV002504429.1), dbSNP rs998675361, ClinGen allele CA29590073.